The following is an entry in ClinVar:

ClinVar aggregate classification (germline): Uncertain significance (1 of 4 stars; one submission).

Conditions:
Oligodontia-cancer predisposition syndrome. Also called: TOOTH AGENESIS-COLORECTAL CANCER SYNDROME. Identifiers: Orphanet 300576, MedGen C1837750, MONDO:0012075, OMIM 608615. Disease mechanism: loss of function.

Submission:

Labcorp Genetics (formerly Invitae), Labcorp
Classification: Uncertain significance for Oligodontia-cancer predisposition syndrome. Last evaluated: 2021-06-23. Review status: criteria provided, single submitter. Criteria: Invitae Variant Classification Sherloc (09022015). Collection method: clinical testing. Allele origin: germline.
Comment: This sequence change creates a premature translational stop signal (p.Gly601Trpfs*99) in the AXIN2 gene. However, it is currently unclear if variants that occur in this region of the gene cause disease. This variant is not present in population databases (ExAC no frequency). This variant has not been reported in the literature in individuals with AXIN2-related conditions. ClinVar contains an entry for this variant (Variation ID: 836749). Algorithms developed to predict the effect of sequence changes on RNA splicing suggest that this variant may create or strengthen a splice site, but this prediction has not been confirmed by published transcriptional studies. In summary, the available evidence is currently insufficient to determine the role of this variant in disease. Therefore, it has been classified as a Variant of Uncertain Significance. Tissue-specific transcript isoforms that skip in-frame exon 7 (also known as exon 6 in the literature) have been described (PMID: 15735151), questioning the clinical significance of deleting this exon through alternative splicing and/or whole exon deletion. Although loss-of-function variants in AXIN2 are known to be pathogenic (PMID: 21416598, 15042511), the clinical significance of truncating (nonsense, frameshift) variants within exon 7 is uncertain.

Literature cited by the submitters: PubMed 15735151; PubMed 21416598; PubMed 15042511.

NM_004655.4(AXIN2):c.1769_1800dup (p.Gly601fs)

Gene: AXIN2 (axin 2; minus strand). Cytogenetic location: 17q24.1.
Variant type: Duplication.
Coding change: c.1769_1800dup on transcript NM_004655.4 (MANE Select); coding-DNA positions 1769 to 1800, 32 bases duplicated.
Protein change: p.Gly601fs; shifts the reading frame from glycine 601.
Molecular consequence: frameshift variant. On other transcripts: intron variant (1).
Genome position (GRCh38, 1-based): chr17:65,536,976-65,537,007, 32 bases duplicated; duplicating any 32 consecutive bases within chr17:65,536,976-65,537,009 gives the same sequence; the c. name uses the placement nearest the transcript's 3' end. GRCh37 (hg19): chr17:63,533,096-63,533,127.
Other names: c.1712+317_1712+348dup (NM_001363813.1); short protein forms G601fs.
Identifiers: ClinVar variation 836749 (VCV000836749.9), dbSNP rs2043934725, ClinGen allele CA916081920.